The following is an entry in ClinVar:

ClinVar aggregate classification (germline): Benign. Review status: criteria provided, multiple submitters, no conflicts (2 of 4 stars). 4 submissions from 4 submitters: Benign (4). Last evaluated 2026-01-18.

Conditions:
Xanthinuria type II. Also called: Xanthine dehydrogenase and aldehyde oxidase combined deficiency of; XDH and AOX dual deficiency. Identifiers: Orphanet 3467, Orphanet 93602, MedGen C1863688, MONDO:0011346, OMIM 603592.
Hereditary xanthinuria type 1 (XAN1). Identifiers: Orphanet 3467, Orphanet 93601, MedGen C0268118, MONDO:0010209, OMIM 278300.

Allele frequency attached by ClinVar (database versions not stated): gnomAD exomes 0.00186; ExAC 0.00232; 1000 Genomes Project 0.00559; 1000 Genomes Project 30x 0.00593; ESP Exome Variant Server 0.00730; TOPMed 0.00785.
gnomAD v4.1: 2,144 of 1,614,008 alleles (0.13%); highest among the groups gnomAD compares: African/African-American, 2.3%; 19 homozygotes.

Submissions (4):

Labcorp Genetics (formerly Invitae), Labcorp
Classification: Benign for Xanthinuria type II. Last evaluated: 2026-01-18. Review status: criteria provided, single submitter. Criteria: Invitae Variant Classification Sherloc (09022015). Collection method: clinical testing. Allele origin: germline.

Genome-Nilou Lab
Classification: Benign for Hereditary xanthinuria type 1. Last evaluated: 2021-12-05. Review status: criteria provided, single submitter. Criteria: ACMG Guidelines, 2015. Collection method: clinical testing. Allele origin: germline. Affected: no.

Fulgent Genetics
Classification: Benign for Hereditary xanthinuria type 1. Last evaluated: 2021-09-01. Review status: criteria provided, single submitter. Criteria: ACMG Guidelines, 2015. Collection method: clinical testing. Allele origin: unknown.

Illumina Laboratory Services, Illumina
Classification: Benign for Hereditary xanthinuria type 1. Last evaluated: 2018-01-13. Review status: criteria provided, single submitter. Criteria: ICSL Variant Classification Criteria 13 December 2019. Collection method: clinical testing. Allele origin: germline.
Comment: This variant was observed in the ICSL laboratory as part of a predisposition screen in an ostensibly healthy population. It had not been previously curated by ICSL or reported in the Human Gene Mutation Database (HGMD: prior to June 1st, 2018), and was therefore a candidate for classification through an automated scoring system. Utilizing variant allele frequency, disease prevalence and penetrance estimates, and inheritance mode, an automated score was calculated to assess if this variant is too frequent to cause the disease. Based on the score and internal cut-off values, a variant classified as benign is not then subjected to further curation. The score for this variant resulted in a classification of benign for this disease.

NM_000379.4(XDH):c.1427+15C>A

Gene: XDH (xanthine dehydrogenase; minus strand). Cytogenetic location: 2p23.1.
Variant type: single nucleotide variant.
Coding change: c.1427+15C>A on transcript NM_000379.4 (MANE Select); 15 bases into the intron after coding-DNA position 1427, C replaced by A.
Molecular consequence: intron variant.
Genome position (GRCh38, 1-based): chr2:31,377,038, G>T on the plus strand (C>A on the coding strand, the complement: XDH is on the minus strand). VCF-style: chr2-31377038-G-T. GRCh37 (hg19) VCF-style: chr2-31599904-G-T.
Identifiers: ClinVar variation 897063 (VCV000897063.14), dbSNP rs116569100, ClinGen allele CA1599250.